The following is an entry in ClinVar:

ClinVar aggregate classification (germline): Likely pathogenic. Review status: reviewed by expert panel (3 of 4 stars). 5 submissions from 5 submitters: Likely pathogenic (1). 4 of the submissions do not count toward it. Last evaluated 2023-08-04.

Conditions:
CDH1-related diffuse gastric and lobular breast cancer syndrome. Also called: CDH1-related diffuse gastric and lobular breast cancer. Identifiers: MedGen CN311521, MONDO:0100488.
Hereditary cancer-predisposing syndrome. Also called: Hereditary neoplastic syndrome; Hereditary Cancer Syndrome; Neoplastic Syndromes, Hereditary; Tumor predisposition. Identifiers: Orphanet 140162, MedGen C0027672, MeSH D009386, MONDO:0015356.
Hereditary diffuse gastric adenocarcinoma (HDGC). Also called: DIFFUSE GASTRIC AND LOBULAR BREAST CANCER SYNDROME. Identifiers: Orphanet 26106, MedGen C1708349, MONDO:0007648, OMIM 137215.

Submissions (5):

Clingen Gastric Cancer Variant Curation Expert Panel
Classification: Likely pathogenic for CDH1-related diffuse gastric and lobular breast cancer syndrome. Last evaluated: 2023-08-04. Review status: reviewed by expert panel. Criteria: ClinGen CDH1 ACMG Specifications V3.1. Collection method: curation. Allele origin: germline. Inheritance: Autosomal dominant inheritance.
Comment: The c.1565+1delG variant is a canonical splice variant predicted to result in an altered or absent protein (PVS1_strong). This variant is absent in the gnomAD cohort (PM2_supporting). This variant is at +1 donor site variant with other pathogenic canonical splicing variants curated at the same splice site (PM5_supporting). In summary, this variant meets criteria to be classified as likely pathogenic based on the ACMG/AMP criteria applied as specified by the CDH1 Variant Curation Expert Panel (Variant Interpretation Guidelines Version 3.1): PVS1_strong, PM2_supporting, PM5_supporting.

Ambry Genetics
Classification: Likely pathogenic for Hereditary cancer-predisposing syndrome. Last evaluated: 2025-11-07. Review status: criteria provided, single submitter. Criteria: Ambry Variant Classification Scheme 2023. Collection method: clinical testing. Allele origin: germline. Not counted in ClinVar's aggregate classification.
Comment: The c.1565+1delG intronic variant, located in intron 10 of the CDH1 gene, results from a deletion of one nucleotide within intron 10 of the CDH1 gene. This variant is considered to be rare based on population cohorts in the Genome Aggregation Database (gnomAD). This nucleotide position is highly conserved in available vertebrate species. In silico splice site analysis predicts that this alteration will weaken the native splice donor site and will result in the creation or strengthening of a novel splice donor site; however, direct evidence is insufficient at this time (Ambry internal data). Alterations that disrupt the canonical splice site are expected to cause aberrant splicing, resulting in an abnormal protein or a transcript that is subject to nonsense-mediated mRNA decay. As such, this alteration is classified as likely pathogenic.

Myriad Genetics, Inc.
Classification: Likely pathogenic for Hereditary diffuse gastric adenocarcinoma. Last evaluated: 2023-06-14. Review status: criteria provided, single submitter. Criteria: Myriad Autosomal Dominant, Autosomal Recessive and X-Linked Classification Criteria (2023). Collection method: clinical testing. Allele origin: unknown. Not counted in ClinVar's aggregate classification.
Comment: This variant is considered likely pathogenic. This variant occurs within a consensus splice junction and is predicted to result in abnormal mRNA splicing of either an out-of-frame exon or an in-frame exon necessary for protein stability and/or normal function.

Labcorp Genetics (formerly Invitae), Labcorp
Classification: Pathogenic for Hereditary diffuse gastric adenocarcinoma. Last evaluated: 2022-10-06. Review status: criteria provided, single submitter. Criteria: Invitae Variant Classification Sherloc (09022015). Collection method: clinical testing. Allele origin: germline. Not counted in ClinVar's aggregate classification.
Comment: For these reasons, this variant has been classified as Pathogenic. This variant disrupts the c.1565+1 nucleotide in the CDH1 gene. Other variant(s) that disrupt this nucleotide have been determined to be pathogenic (PMID: 11968084, 18046629, 18788075, 26182300, 27064202, 27153395; Invitae). This suggests that this nucleotide is clinically significant, and that variants that disrupt this position are likely to be disease-causing. Algorithms developed to predict the effect of sequence changes on RNA splicing suggest that this variant may disrupt the consensus splice site. ClinVar contains an entry for this variant (Variation ID: 421639). This variant has not been reported in the literature in individuals affected with CDH1-related conditions. This variant is not present in population databases (gnomAD no frequency). This sequence change affects a splice site in intron 10 of the CDH1 gene. It is expected to disrupt RNA splicing. Variants that disrupt the donor or acceptor splice site typically lead to a loss of protein function (PMID: 16199547), and loss-of-function variants in CDH1 are known to be pathogenic (PMID: 15235021, 20373070).

GeneDx
Classification: Pathogenic. Last evaluated: 2016-07-07. Review status: criteria provided, single submitter. Criteria: GeneDx Variant Classification (06012015). Collection method: clinical testing. Allele origin: germline. Affected: yes. Not counted in ClinVar's aggregate classification.
Comment: This variant is denoted CDH1 c.1565+1delG or IVS10+1delG and consists of a deletion of one nucleotide at the +1 position of intron 10. The normal sequence, with the base that is deleted in braces, is TAAC[g]taag, where the capital letters are exonic and lowercase are intronic. This variant destroys a canonical splice donor site and is predicted to cause abnormal gene splicing, leading to either an abnormal message that is subject to nonsense-mediated mRNA decay or to an abnormal protein product. This variant has not, to our knowledge, been published in the literature. Based on the currently available information, we consider CDH1 c.1565+1delG to be pathogenic.

Literature cited by the submitters: PubMed 11968084 (cited by Labcorp Genetics (formerly Invitae), Labcorp); PubMed 18046629 (cited by Labcorp Genetics (formerly Invitae), Labcorp); PubMed 18788075 (cited by Labcorp Genetics (formerly Invitae), Labcorp); PubMed 26182300 (cited by Labcorp Genetics (formerly Invitae), Labcorp); PubMed 27064202 (cited by Labcorp Genetics (formerly Invitae), Labcorp); PubMed 27153395 (cited by Labcorp Genetics (formerly Invitae), Labcorp); PubMed 16199547 (cited by Labcorp Genetics (formerly Invitae), Labcorp); PubMed 15235021 (cited by Labcorp Genetics (formerly Invitae), Labcorp); PubMed 20373070 (cited by Labcorp Genetics (formerly Invitae), Labcorp).

NM_004360.5(CDH1):c.1565+1del

Gene: CDH1 (cadherin 1; plus strand). Cytogenetic location: 16q22.1.
Variant type: Deletion.
Coding change: c.1565+1del on transcript NM_004360.5 (MANE Select); the canonical splice donor site of the intron after coding-DNA position 1565, one base deleted (G; older notation c.1565+1delG).
Molecular consequence: splice donor variant.
Genome position (GRCh38, 1-based): chr16:68,815,760, G deleted. VCF-style (leftmost placement, unchanged base first): chr16-68815759-CG-C. GRCh37 (hg19) VCF-style: chr16-68849662-CG-C.
Other names: c.17+1del (NM_001317185.2); c.-255+1del (NM_001317186.2); c.1382+1del (NM_001317184.2).
Identifiers: ClinVar variation 421639 (VCV000421639.19), dbSNP rs1064795267, ClinGen allele CA16620249.
Genomic context (GRCh38, chr16:68,815,759, plus strand): 5'-GCCAGGAAATCACATCCTACACTGCCCAGGAGCCAGACACATTTATGGAACAGAAAATAA[CG>C]TAAGTGTGAGGATTTTTCAACTGACTTGCAGCAACTGGTTATTTTATATCATTTTATATG-3'